The following is an entry in ClinVar:

NM_003922.4(HERC1):c.10424G>C (p.Gly3475Ala)

Gene: HERC1 (HECT and RLD domain containing E3 ubiquitin protein ligase family member 1; minus strand). Cytogenetic location: 15q22.31.
Variant type: single nucleotide variant.
Coding change: c.10424G>C on transcript NM_003922.4 (MANE Select); coding-DNA position 10424, G replaced by C.
Protein change: p.Gly3475Ala; replaces glycine 3475 with alanine.
Molecular consequence: missense variant.
Genome position (GRCh38, 1-based): chr15:63,651,375, C>G on the plus strand (G>C on the coding strand, the complement: HERC1 is on the minus strand). VCF-style: chr15-63651375-C-G. GRCh37 (hg19) VCF-style: chr15-63943574-C-G.
Other names: short protein forms G3475A.
Identifiers: ClinVar variation 3614541 (VCV003614541.1).

ClinVar aggregate classification (germline): Uncertain significance (1 of 4 stars; one submission).

Submission:

Labcorp Genetics (formerly Invitae), Labcorp
Classification: Uncertain significance. Last evaluated: 2025-01-16. Review status: criteria provided, single submitter. Criteria: Invitae Variant Classification Sherloc (09022015). Collection method: clinical testing. Allele origin: germline.
Comment: This sequence change replaces glycine, which is neutral and non-polar, with alanine, which is neutral and non-polar, at codon 3475 of the HERC1 protein (p.Gly3475Ala). This variant is present in population databases (rs201961752, gnomAD 0.05%). This variant has not been reported in the literature in individuals affected with HERC1-related conditions. Invitae Evidence Modeling of protein sequence and biophysical properties (such as structural, functional, and spatial information, amino acid conservation, physicochemical variation, residue mobility, and thermodynamic stability) indicates that this missense variant is not expected to disrupt HERC1 protein function with a negative predictive value of 80%. In summary, the available evidence is currently insufficient to determine the role of this variant in disease. Therefore, it has been classified as a Variant of Uncertain Significance.